The following is an entry in ClinVar:

NM_001042492.3(NF1):c.2325G>C (p.Glu775Asp)

Gene: NF1 (neurofibromin 1; plus strand). Cytogenetic location: 17q11.2.
Variant type: single nucleotide variant.
Coding change: c.2325G>C on transcript NM_001042492.3 (MANE Select); coding-DNA position 2325, G replaced by C.
Protein change: p.Glu775Asp; replaces glutamic acid 775 with aspartic acid.
Molecular consequence: missense variant.
Genome position (GRCh38, 1-based): chr17:31,227,291, G>C. VCF-style: chr17-31227291-G-C. GRCh37 (hg19) VCF-style: chr17-29554309-G-C.
Other names: c.2325G>C, p.Glu775Asp (NM_000267.4); short protein forms E775D.
Identifiers: ClinVar variation 937015 (VCV000937015.12), dbSNP rs1555613932, ClinGen allele CA398982943.

ClinVar aggregate classification (germline): Pathogenic/Likely pathogenic. Review status: criteria provided, multiple submitters, no conflicts (2 of 4 stars). 5 submissions from 5 submitters: Pathogenic (4); Likely pathogenic (1). Last evaluated 2026-07-29.

Conditions:
Hereditary cancer-predisposing syndrome. Also called: Neoplastic Syndromes, Hereditary; Hereditary Cancer Syndrome; Tumor predisposition; Hereditary neoplastic syndrome. Identifiers: Orphanet 140162, MedGen C0027672, MeSH D009386, MONDO:0015356.
Cardiovascular phenotype. Identifiers: MedGen CN230736.
Neurofibromatosis, type 1 (NF1). Also called: Peripheral type neurofibromatosis; VON RECKLINGHAUSEN DISEASE; Neurofibromatosis, type I; NEUROFIBROMATOSIS, TYPE I, SOMATIC. Identifiers: Orphanet 636, MedGen C0027831, MONDO:0018975, OMIM 162200. Disease mechanism: loss of function.

Submissions (5):

Ambry Genetics
Classification: Pathogenic for Cardiovascular phenotype; Hereditary cancer-predisposing syndrome. Last evaluated: 2026-07-29. Review status: criteria provided, single submitter. Criteria: Ambry Variant Classification Scheme 2023. Collection method: clinical testing. Allele origin: germline.
Comment: The p.E775D pathogenic mutation (also known as c.2325G>C), located in coding exon 19 of the NF1 gene, results from a G to C substitution at nucleotide position 2325. The glutamic acid at codon 775 is replaced by aspartic acid, an amino acid with highly similar properties. However, this change occurs in the last base pair of coding exon 19, which makes it likely to have some effect on normal mRNA splicing. This variant was reported in individual(s) with features consistent with neurofibromatosis type 1 (NF1) (G&uuml;ne N et al. Ann Hum Genet, 2021 Sep;85:155-165; Ambry internal data). Other variant(s) impacting the same donor site (c.2325G>A (p.E775E)) have been identified in individual(s) with features consistent with neurofibromatosis (NF1) (Knewitz DK et al. Sarcoma, 2021 Oct;2021:9386823; Ambry internal data). This variant is considered to be rare based on population cohorts in the Genome Aggregation Database (gnomAD). This nucleotide position is highly conserved in available vertebrate species. This amino acid position is highly conserved in available vertebrate species. In silico splice site analysis predicts that this alteration will weaken the native splice donor site. In addition, as a missense substitution this is predicted to be inconclusive by in silico analysis. Based on the supporting evidence, this variant is interpreted as a disease-causing mutation.

Labcorp Genetics (formerly Invitae), Labcorp
Classification: Pathogenic for Neurofibromatosis, type 1. Last evaluated: 2025-07-14. Review status: criteria provided, single submitter. Criteria: Invitae Variant Classification Sherloc (09022015). Collection method: clinical testing. Allele origin: germline.
Comment: This sequence change replaces glutamic acid, which is acidic and polar, with aspartic acid, which is acidic and polar, at codon 775 of the NF1 protein (p.Glu775Asp). This variant also falls at the last nucleotide of exon 19, which is part of the consensus splice site for this exon. This variant is not present in population databases (gnomAD no frequency). This missense change has been observed in individual(s) with neurofibromatosis type I (internal data). In at least one individual the variant was observed to be de novo. ClinVar contains an entry for this variant (Variation ID: 937015). An algorithm developed to predict the effect of missense changes on protein structure and function (PolyPhen-2) suggests that this variant is likely to be disruptive. Variants that disrupt the consensus splice site are a relatively common cause of aberrant splicing (PMID: 17576681, 9536098). Algorithms developed to predict the effect of sequence changes on RNA splicing suggest that this variant may disrupt the consensus splice site. This variant disrupts the c.2325G nucleotide in the NF1 gene. Other variant(s) that disrupt this nucleotide have been determined to be pathogenic (PMID: 18546366, 27322474; internal data). This suggests that this nucleotide is clinically significant, and that variants that disrupt this position are likely to be disease-causing. For these reasons, this variant has been classified as Pathogenic.

GeneDx
Classification: Pathogenic. Last evaluated: 2024-10-03. Review status: criteria provided, single submitter. Criteria: GeneDx Variant Classification Process June 2021. Collection method: clinical testing. Allele origin: germline. Affected: yes.
Comment: Alters the last nucleotide of the exon and is predicted to destroy the splice donor site and result in aberrant splicing, although in the absence of functional evidence the actual effect of this sequence change is unknown; Not observed at significant frequency in large population cohorts (gnomAD); This variant is associated with the following publications: (PMID: 26740943, 33877690, 18546366, 27322474)

Quest Diagnostics Nichols Institute San Juan Capistrano
Classification: Likely pathogenic. Last evaluated: 2023-12-26. Review status: criteria provided, single submitter. Criteria: Quest Diagnostics criteria. Collection method: clinical testing. Allele origin: unknown.
Comment: The NF1 c.2325G>C (p.Glu775Asp) variant has not been reported in individuals with NF1-related conditions in the published literature. It also has not been reported in large, multi-ethnic general populations (Genome Aggregation Database). Analysis of this variant using bioinformatics tools for the prediction of the effect of amino acid changes on protein structure and function yielded predictions that this variant is damaging. Based on the available information, this variant is classified as likely pathogenic.

Genome-Nilou Lab
Classification: Pathogenic for Neurofibromatosis, type 1. Last evaluated: 2022-03-15. Review status: criteria provided, single submitter. Criteria: ACMG Guidelines, 2015. Collection method: clinical testing. Allele origin: germline. Affected: no.

Literature cited by the submitters: PubMed 33877690 (cited by Ambry Genetics); PubMed 17576681 (cited by Labcorp Genetics (formerly Invitae), Labcorp); PubMed 9536098 (cited by Labcorp Genetics (formerly Invitae), Labcorp); PubMed 18546366 (cited by Labcorp Genetics (formerly Invitae), Labcorp); PubMed 27322474 (cited by Labcorp Genetics (formerly Invitae), Labcorp).